The following is an entry in ClinVar:

ClinVar aggregate classification (germline): Uncertain significance (1 of 4 stars; one submission).

Conditions:
Multiple endocrine neoplasia, type 2 (MEN2). Identifiers: Orphanet 653, MedGen C4048306, MONDO:0019003. Disease mechanism: gain of function.

Submission:

Labcorp Genetics (formerly Invitae), Labcorp
Classification: Uncertain significance for Multiple endocrine neoplasia, type 2. Last evaluated: 2021-12-27. Review status: criteria provided, single submitter. Criteria: Invitae Variant Classification Sherloc (09022015). Collection method: clinical testing. Allele origin: germline.
Comment: In summary, the available evidence is currently insufficient to determine the role of this variant in disease. Therefore, it has been classified as a Variant of Uncertain Significance. Algorithms developed to predict the effect of missense changes on protein structure and function are either unavailable or do not agree on the potential impact of this missense change (SIFT: "Deleterious"; PolyPhen-2: "Probably Damaging"; Align-GVGD: "Class C15"). ClinVar contains an entry for this variant (Variation ID: 656577). This variant has not been reported in the literature in individuals affected with RET-related conditions. This variant is not present in population databases (gnomAD no frequency). This sequence change replaces serine, which is neutral and polar, with tyrosine, which is neutral and polar, at codon 1026 of the RET protein (p.Ser1026Tyr).

NM_020975.6(RET):c.3077C>A (p.Ser1026Tyr)

Gene: RET (ret proto-oncogene; plus strand). Cytogenetic location: 10q11.21.
Variant type: single nucleotide variant.
Coding change: c.3077C>A on transcript NM_020975.6 (MANE Select); coding-DNA position 3077, C replaced by A.
Protein change: p.Ser1026Tyr; replaces serine 1026 with tyrosine.
Molecular consequence: missense variant.
Genome position (GRCh38, 1-based): chr10:43,126,612, C>A. VCF-style: chr10-43126612-C-A. GRCh37 (hg19) VCF-style: chr10-43622060-C-A.
Other names: c.3077C>A, p.Ser1026Tyr (NM_000323.2, NM_001406743.1, NM_001406744.1 and 4 more transcripts); c.2315C>A, p.Ser772Tyr (NM_001355216.2); c.2948C>A, p.Ser983Tyr (NM_001406761.1, NM_001406762.1, NM_001406764.1); c.2942C>A, p.Ser981Tyr (NM_001406763.1, NM_001406765.1); c.2789C>A, p.Ser930Tyr (NM_001406766.1, NM_001406767.1, NM_001406770.1); c.2813C>A, p.Ser938Tyr (NM_001406768.1); c.2681C>A, p.Ser894Tyr (NM_001406769.1, NM_001406772.1); c.2639C>A, p.Ser880Tyr (NM_001406771.1, NM_001406773.1); and 10 more; short protein forms S772Y, S1026Y, S684Y, S851Y, S894Y, S938Y, S591Y, S631Y.
Identifiers: ClinVar variation 656577 (VCV000656577.11), dbSNP rs1588880993, ClinGen allele CA376558343.